The following is an entry in ClinVar:

ClinVar aggregate classification (germline): Conflicting classifications of pathogenicity. Review status: criteria provided, conflicting classifications (1 of 4 stars). 3 submissions from 3 submitters: Uncertain significance (2); Likely benign (1). Last evaluated 2026-08-31.

Conditions:
Inborn genetic diseases. Identifiers: MedGen C0950123, MeSH D030342.
Acute myeloid leukemia (AML). Also called: Acute myeloid leukemia, adult; AML adult; Acute non-lymphocytic leukemia; Acute granulocytic leukemia; Leukemia, acute myeloid, somatic; Leukemia, acute myelogenous, somatic. Identifiers: Orphanet 519, MedGen C0023467, MeSH D015470, MONDO:0018874, OMIM 601626, HP:0004808. Disease mechanism: Constitutively activated FLT3.

gnomAD v4.1: 1 of 1,601,144 alleles (0.000062%); highest among the groups gnomAD compares: Admixed American, 0.0017%; no homozygotes.

Submissions (3):

Ambry Genetics
Classification: Uncertain significance for Inborn genetic diseases. Last evaluated: 2026-08-31. Review status: criteria provided, single submitter. Criteria: Ambry Variant Classification Scheme 2023. Collection method: clinical testing. Allele origin: germline.
Comment: The p.G272V variant (also known as c.815G>T), located in coding exon 1 of the CEBPA gene, results from a G to T substitution at nucleotide position 815. The glycine at codon 272 is replaced by valine, an amino acid with dissimilar properties. This amino acid position is conserved. In addition, this alteration is predicted to be tolerated by in silico analysis. Based on the available evidence, the clinical significance of this variant remains unclear.

Dasa
Classification: Likely benign. Last evaluated: 2025-11-07. Review status: criteria provided, single submitter. Criteria: DASA Assertion Criteria. Collection method: clinical testing. Allele origin: germline.
Comment: NM_004364.5(CEBPA):c.815G>T (p.Gly272Val) is a missense variant that results in the substitution of glycine with valine. The variant context is inconsistent with a known disease-causing mechanism. Computational prediction algorithms are consistent with a benign effect. Therefore, based on the currently available evidence, this variant is classified as likely benign.

Labcorp Genetics (formerly Invitae), Labcorp
Classification: Uncertain significance for Acute myeloid leukemia. Last evaluated: 2021-12-06. Review status: criteria provided, single submitter. Criteria: Invitae Variant Classification Sherloc (09022015). Collection method: clinical testing. Allele origin: germline.
Comment: Algorithms developed to predict the effect of missense changes on protein structure and function are either unavailable or do not agree on the potential impact of this missense change (SIFT: "Tolerated"; PolyPhen-2: "Possibly Damaging"; Align-GVGD: "Class C0"). This sequence change replaces glycine, which is neutral and non-polar, with valine, which is neutral and non-polar, at codon 272 of the CEBPA protein (p.Gly272Val). This variant is not present in population databases (gnomAD no frequency). This variant has not been reported in the literature in individuals affected with CEBPA-related conditions. ClinVar contains an entry for this variant (Variation ID: 645861). In summary, the available evidence is currently insufficient to determine the role of this variant in disease. Therefore, it has been classified as a Variant of Uncertain Significance.

NM_004364.5(CEBPA):c.815G>T (p.Gly272Val)

Gene: CEBPA (CCAAT enhancer binding protein alpha; minus strand). Cytogenetic location: 19q13.11.
Variant type: single nucleotide variant.
Coding change: c.815G>T on transcript NM_004364.5 (MANE Select); coding-DNA position 815, G replaced by T.
Protein change: p.Gly272Val; replaces glycine 272 with valine.
Molecular consequence: missense variant.
Genome position (GRCh38, 1-based): chr19:33,301,600, C>A on the plus strand (G>T on the coding strand, the complement: CEBPA is on the minus strand). VCF-style: chr19-33301600-C-A. GRCh37 (hg19) VCF-style: chr19-33792506-C-A.
Other names: c.458G>T, p.Gly153Val (NM_001285829.2); c.920G>T, p.Gly307Val (NM_001287424.2); c.773G>T, p.Gly258Val (NM_001287435.2); c.815G>T (NM_004364.3); short protein forms G307V, G153V, G258V, G272V.
Identifiers: ClinVar variation 645861 (VCV000645861.10), dbSNP rs1162467731, ClinGen allele CA405274156.
Genomic context (GRCh38, chr19:33,301,600, plus strand): 5'-TTGCGCTCGCGCCGCACCCGGTACTCGTTGCTGTTCTTGTCCACCGACTTCTTGGCCTTG[C>A]CCGCGCCGCTGCCGCCACTCGCGCGGAGGTCGGGGTGCGCGGCGCCCAGCCCCTTGAGCG-3'
Protein context (NP_004355.2, residues 262-282): DLRASGGSGA[Gly272Val]KAKKSVDKNS